The following is an entry in ClinVar:

ClinVar aggregate classification (germline): Conflicting classifications of pathogenicity. Review status: criteria provided, conflicting classifications (1 of 4 stars). 2 submissions from 2 submitters: Uncertain significance (1); Likely benign (1). Last evaluated 2024-12-23.

Allele frequency attached by ClinVar (database versions not stated): TOPMed 0.00003; gnomAD 0.00004 and 0.00005; gnomAD exomes 0.00005 and 0.00009; ExAC 0.00008; ESP Exome Variant Server 0.00008.

Submissions (2):

Ambry Genetics
Classification: Likely benign. Last evaluated: 2024-12-23. Review status: criteria provided, single submitter. Criteria: Ambry Variant Classification Scheme 2023. Collection method: clinical testing. Allele origin: germline.

Labcorp Genetics (formerly Invitae), Labcorp
Classification: Uncertain significance. Last evaluated: 2021-10-07. Review status: criteria provided, single submitter. Criteria: Invitae Variant Classification Sherloc (09022015). Collection method: clinical testing. Allele origin: germline.
Comment: Algorithms developed to predict the effect of sequence changes on RNA splicing suggest that this variant may create or strengthen a splice site. In summary, the available evidence is currently insufficient to determine the role of this variant in disease. Therefore, it has been classified as a Variant of Uncertain Significance. Algorithms developed to predict the effect of missense changes on protein structure and function output the following: SIFT: "Tolerated"; PolyPhen-2: "Benign"; Align-GVGD: "Class C0". The valine amino acid residue is found in multiple mammalian species, which suggests that this missense change does not adversely affect protein function. This variant has not been reported in the literature in individuals affected with HMCN1-related conditions. This variant is present in population databases (rs140971270, ExAC 0.05%). This sequence change replaces methionine with valine at codon 257 of the HMCN1 protein (p.Met257Val). The methionine residue is weakly conserved and there is a small physicochemical difference between methionine and valine.

NM_031935.3(HMCN1):c.769A>G (p.Met257Val)

Gene: HMCN1 (hemicentin 1; plus strand). Cytogenetic location: 1q31.1.
Variant type: single nucleotide variant.
Coding change: c.769A>G on transcript NM_031935.3 (MANE Select); coding-DNA position 769, A replaced by G.
Protein change: p.Met257Val; replaces methionine 257 with valine.
Molecular consequence: missense variant.
Genome position (GRCh38, 1-based): chr1:185,909,484, A>G. VCF-style: chr1-185909484-A-G. GRCh37 (hg19) VCF-style: chr1-185878616-A-G.
Other names: c.769A>G (NM_031935.2); short protein forms M257V.
Identifiers: ClinVar variation 1446944 (VCV001446944.7), dbSNP rs140971270, ClinGen allele CA1290930.